The following is an entry in ClinVar:

ClinVar aggregate classification (germline): Conflicting classifications of pathogenicity. Review status: criteria provided, conflicting classifications (1 of 4 stars). 4 submissions from 4 submitters: Uncertain significance (3); Likely benign (1). Last evaluated 2024-09-25.

Conditions:
Abetalipoproteinaemia (ABL). Also called: Abetalipoproteinemia; Abetalipoproteinemia neuropathy; Apolipoprotein B deficiency; Congenital betalipoprotein deficiency syndrome; MTP DEFICIENCY. Identifiers: Orphanet 14, MedGen C0000744, MONDO:0008692, OMIM 200100, HP:0008181.

Allele frequency attached by ClinVar (database versions not stated): gnomAD exomes below 0.00001 and 0.00003; ExAC 0.00001; gnomAD 0.00001 and 0.00002; TOPMed 0.00002.

Submissions (4):

Blueprint Genetics
Classification: Likely benign. Last evaluated: 2024-09-25. Review status: criteria provided, single submitter. Criteria: ACMG Guidelines, 2015. Collection method: clinical testing. Allele origin: germline.

Women's Health and Genetics/Laboratory Corporation of America, LabCorp
Classification: Uncertain significance. Last evaluated: 2024-09-15. Review status: criteria provided, single submitter. Criteria: LabCorp Variant Classification Summary - May 2015. Collection method: clinical testing. Allele origin: germline.

Baylor Genetics
Classification: Uncertain significance for Abetalipoproteinaemia. Last evaluated: 2019-08-06. Review status: criteria provided, single submitter. Criteria: ACMG Guidelines, 2015. Collection method: clinical testing. Allele origin: unknown. Affected: yes.
Comment: This variant was determined to be of uncertain significance according to ACMG Guidelines, 2015 [PMID:25741868].

Breakthrough Genomics
Classification: Uncertain significance. Review status: criteria provided, single submitter. Criteria: ACMG Guidelines, 2015. Collection method: not provided. Allele origin: germline. Inheritance: Autosomal recessive inheritance. Affected: yes.

NM_001386140.1(MTTP):c.393+5A>G

Gene: MTTP (microsomal triglyceride transfer protein; plus strand). Cytogenetic location: 4q23.
Variant type: single nucleotide variant.
Coding change: c.393+5A>G on transcript NM_001386140.1 (MANE Select); 5 bases into the intron after coding-DNA position 393, A replaced by G.
Molecular consequence: intron variant.
Genome position (GRCh38, 1-based): chr4:99,583,522, A>G. VCF-style: chr4-99583522-A-G. GRCh37 (hg19) VCF-style: chr4-100504679-A-G.
Other names: c.393+5A>G (NM_000253.4); c.144+5A>G (NM_001300785.2).
Identifiers: ClinVar variation 1028158 (VCV001028158.4), dbSNP rs771577895, ClinGen allele CA3021812.